The following is an entry in ClinVar:

NM_000535.7(PMS2):c.740C>G (p.Pro247Arg)

Gene: PMS2 (PMS1 homolog 2, mismatch repair system component; minus strand). Cytogenetic location: 7p22.1.
Variant type: single nucleotide variant.
Coding change: c.740C>G on transcript NM_000535.7 (MANE Select); coding-DNA position 740, C replaced by G.
Protein change: p.Pro247Arg; replaces proline 247 with arginine.
Molecular consequence: missense variant. On other transcripts: 5 prime UTR variant (2), non-coding transcript variant (1).
Genome position (GRCh38, 1-based): chr7:5,997,389, G>C on the plus strand (C>G on the coding strand, the complement: PMS2 is on the minus strand). VCF-style: chr7-5997389-G-C. GRCh37 (hg19) VCF-style: chr7-6037020-G-C.
Other names: c.335C>G, p.Pro112Arg (NM_001322003.2, NM_001322004.2, NM_001322005.2 and 2 more transcripts); c.740C>G, p.Pro247Arg (NM_001322006.2, NM_001322014.2); c.422C>G, p.Pro141Arg (NM_001322007.2, NM_001322008.2); c.-194C>G (NM_001322011.2, NM_001322012.2); c.167C>G, p.Pro56Arg (NM_001322013.2); c.431C>G, p.Pro144Arg (NM_001322015.2); short protein forms P112R, P141R, P144R, P247R, P56R.
Identifiers: ClinVar variation 919017 (VCV000919017.15), dbSNP rs1173245928, ClinGen allele CA366743732.

ClinVar aggregate classification (germline): Uncertain significance. Review status: criteria provided, multiple submitters, no conflicts (2 of 4 stars). 6 submissions from 6 submitters: Uncertain significance (5). 1 of the submissions does not count toward it. Last evaluated 2025-10-14.

Conditions:
Hereditary nonpolyposis colorectal neoplasms. Identifiers: MedGen C0009405, MeSH D003123.
Hereditary cancer-predisposing syndrome. Also called: Neoplastic Syndromes, Hereditary; Tumor predisposition; Hereditary Cancer Syndrome; Hereditary neoplastic syndrome. Identifiers: Orphanet 140162, MedGen C0027672, MeSH D009386, MONDO:0015356.
Lynch syndrome 4 (LYNCH4). Also called: Colorectal cancer, hereditary nonpolyposis, type 4; Hereditary non-polyposis colorectal cancer, type 4. Identifiers: Orphanet 144, MedGen C1838333, MONDO:0013699, OMIM 614337. Disease mechanism: loss of function.

Allele frequency attached by ClinVar (database versions not stated): gnomAD 0.00001; TOPMed 0.00001.
gnomAD v4.1: 1 of 1,604,440 alleles (0.000062%); highest among the groups gnomAD compares: African/African-American, 0.0014%; no homozygotes.

Submissions (6):

Labcorp Genetics (formerly Invitae), Labcorp
Classification: Uncertain significance for Hereditary nonpolyposis colorectal neoplasms. Last evaluated: 2025-10-14. Review status: criteria provided, single submitter. Criteria: Invitae Variant Classification Sherloc (09022015). Collection method: clinical testing. Allele origin: germline.
Comment: This sequence change replaces proline, which is neutral and non-polar, with arginine, which is basic and polar, at codon 247 of the PMS2 protein (p.Pro247Arg). This variant is not present in population databases (gnomAD no frequency). This variant has not been reported in the literature in individuals affected with PMS2-related conditions. ClinVar contains an entry for this variant (Variation ID: 919017). Invitae Evidence Modeling incorporating data from in vitro experimental studies (internal data) indicates that this missense variant is not expected to disrupt PMS2 function with a negative predictive value of 95%. In summary, the available evidence is currently insufficient to determine the role of this variant in disease. Therefore, it has been classified as a Variant of Uncertain Significance.

Ambry Genetics
Classification: Uncertain significance for Hereditary cancer-predisposing syndrome. Last evaluated: 2024-11-05. Review status: criteria provided, single submitter. Criteria: Ambry Variant Classification Scheme 2023. Collection method: clinical testing. Allele origin: germline.
Comment: The p.P247R variant (also known as c.740C>G), located in coding exon 7 of the PMS2 gene, results from a C to G substitution at nucleotide position 740. The proline at codon 247 is replaced by arginine, an amino acid with dissimilar properties. This amino acid position is conserved. In addition, this alteration is predicted to be deleterious by in silico analysis. Since supporting evidence is limited at this time, the clinical significance of this alteration remains unclear.

Quest Diagnostics Nichols Institute San Juan Capistrano
Classification: Uncertain significance. Last evaluated: 2024-07-17. Review status: criteria provided, single submitter. Criteria: Quest Diagnostics criteria. Collection method: clinical testing. Allele origin: unknown.
Comment: The PMS2 c.740C>G (p.Pro247Arg) variant has not been reported in individuals with PMS2-related conditions in the published literature. The frequency of this variant in the general population, 0.0000067 (1/149988 chromosomes (Genome Aggregation Database)), is uninformative in the assessment of its pathogenicity. Analysis of this variant using bioinformatics tools for the prediction of the effect of amino acid changes on protein structure and function yielded predictions that this variant is damaging. Based on the available information, we are unable to determine the clinical significance of this variant.

Women's Health and Genetics/Laboratory Corporation of America, LabCorp
Classification: Uncertain significance. Last evaluated: 2024-01-04. Review status: criteria provided, single submitter. Criteria: LabCorp Variant Classification Summary - May 2015. Collection method: clinical testing. Allele origin: germline.

Color Diagnostics, LLC DBA Color Health
Classification: Uncertain significance for Hereditary cancer-predisposing syndrome. Last evaluated: 2019-04-01. Review status: criteria provided, single submitter. Criteria: ACMG Guidelines, 2015. Collection method: clinical testing. Allele origin: germline.

Zotz-Klimas Genetics Lab, MVZ Zotz Klimas
Classification: Uncertain significance for Lynch syndrome 4. Last evaluated: 2023-10-09. Review status: no assertion criteria provided. Collection method: clinical testing. Allele origin: germline. Affected: yes. Not counted in ClinVar's aggregate classification.

Literature cited by the submitters: PubMed 37453563 (cited by Quest Diagnostics Nichols Institute San Juan Capistrano).